The following is an entry in ClinVar:

ClinVar aggregate classification (germline): Uncertain significance (1 of 4 stars; one submission).

Conditions:
Gastrointestinal stromal tumor. Also called: Gastrointestinal stroma tumor; Gastrointestinal stromal tumor, somatic. Identifiers: Orphanet 44890, MedGen C0238198, MeSH D046152, MONDO:0011719, OMIM 606764, HP:0100723.

Submission:

Labcorp Genetics (formerly Invitae), Labcorp
Classification: Uncertain significance for Gastrointestinal stromal tumor. Last evaluated: 2022-05-04. Review status: criteria provided, single submitter. Criteria: Invitae Variant Classification Sherloc (09022015). Collection method: clinical testing. Allele origin: germline.
Comment: This sequence change replaces aspartic acid, which is acidic and polar, with tyrosine, which is neutral and polar, at codon 68 of the PDGFRA protein (p.Asp68Tyr). This variant is not present in population databases (gnomAD no frequency). In summary, the available evidence is currently insufficient to determine the role of this variant in disease. Therefore, it has been classified as a Variant of Uncertain Significance. Algorithms developed to predict the effect of missense changes on protein structure and function are either unavailable or do not agree on the potential impact of this missense change (SIFT: "Deleterious"; PolyPhen-2: "Possibly Damaging"; Align-GVGD: "Class C15"). This variant has not been reported in the literature in individuals affected with PDGFRA-related conditions.

NM_006206.6(PDGFRA):c.202G>T (p.Asp68Tyr)

Gene: PDGFRA (platelet derived growth factor receptor alpha; plus strand). Cytogenetic location: 4q12.
Variant type: single nucleotide variant.
Coding change: c.202G>T on transcript NM_006206.6 (MANE Select); coding-DNA position 202, G replaced by T.
Protein change: p.Asp68Tyr; replaces aspartic acid 68 with tyrosine.
Molecular consequence: missense variant.
Genome position (GRCh38, 1-based): chr4:54,261,247, G>T. VCF-style: chr4-54261247-G-T. GRCh37 (hg19) VCF-style: chr4-55127414-G-T.
Other names: c.202G>T, p.Asp68Tyr (NM_001347827.2, NM_001347829.2); c.277G>T, p.Asp93Tyr (NM_001347828.2); c.241G>T, p.Asp81Tyr (NM_001347830.2); short protein forms D68Y, D81Y, D93Y.
Identifiers: ClinVar variation 2084295 (VCV002084295.4), dbSNP rs1060501504, ClinGen allele CA356888481.